The following is an entry in ClinVar:

ClinVar aggregate classification (germline): Likely pathogenic (1 of 4 stars; one submission).

Submission:

Labcorp Genetics (formerly Invitae), Labcorp
Classification: Likely pathogenic. Last evaluated: 2023-11-10. Review status: criteria provided, single submitter. Criteria: Invitae Variant Classification Sherloc (09022015). Collection method: clinical testing. Allele origin: germline.
Comment: This sequence change affects an acceptor splice site in intron 6 of the LOXHD1 gene. It is expected to disrupt RNA splicing. Variants that disrupt the donor or acceptor splice site typically lead to a loss of protein function (PMID: 16199547), and loss-of-function variants in LOXHD1 are known to be pathogenic (PMID: 19732867, 21465660, 25792669). This variant is not present in population databases (gnomAD no frequency). This variant has not been reported in the literature in individuals affected with LOXHD1-related conditions. ClinVar contains an entry for this variant (Variation ID: 1348413). Algorithms developed to predict the effect of sequence changes on RNA splicing suggest that this variant may disrupt the consensus splice site. In summary, the currently available evidence indicates that the variant is pathogenic, but additional data are needed to prove that conclusively. Therefore, this variant has been classified as Likely Pathogenic.

Literature cited by the submitters: PubMed 16199547; PubMed 19732867; PubMed 21465660; PubMed 25792669.

NM_001384474.1(LOXHD1):c.760-1G>C

Gene: LOXHD1 (lipoxygenase homology PLAT domains 1; minus strand). Cytogenetic location: 18q21.1.
Variant type: single nucleotide variant.
Coding change: c.760-1G>C on transcript NM_001384474.1 (MANE Select); the canonical splice acceptor site of the intron before coding-DNA position 760, G replaced by C.
Molecular consequence: splice acceptor variant.
Genome position (GRCh38, 1-based): chr18:46,604,230, C>G on the plus strand (G>C on the coding strand, the complement: LOXHD1 is on the minus strand). VCF-style: chr18-46604230-C-G. GRCh37 (hg19) VCF-style: chr18-44184193-C-G.
Other names: c.760-1G>C (NM_144612.7).
Identifiers: ClinVar variation 1348413 (VCV001348413.8), dbSNP rs2144294201, ClinGen allele CA402384693.